The following is an entry in ClinVar:

NM_000264.5(PTCH1):c.1177G>T (p.Ala393Ser)

Gene: PTCH1 (patched 1; minus strand). Cytogenetic location: 9q22.32.
Variant type: single nucleotide variant.
Coding change: c.1177G>T on transcript NM_000264.5 (MANE Select); coding-DNA position 1177, G replaced by T.
Protein change: p.Ala393Ser; replaces alanine 393 with serine.
Molecular consequence: missense variant. On other transcripts: non-coding transcript variant (1).
Genome position (GRCh38, 1-based): chr9:95,479,038, C>A on the plus strand (G>T on the coding strand, the complement: PTCH1 is on the minus strand). VCF-style: chr9-95479038-C-A. GRCh37 (hg19) VCF-style: chr9-98241320-C-A.
Other names: c.979G>T, p.Ala327Ser (NM_001083602.3); c.1174G>T, p.Ala392Ser (NM_001083603.3); c.724G>T, p.Ala242Ser (NM_001083604.3, NM_001083605.3, NM_001083606.3 and 1 more transcripts); c.1177G>T, p.Ala393Ser (NM_001354918.2); short protein forms A392S, A242S, A393S, A327S.
Identifiers: ClinVar variation 4676139 (VCV004676139.1).

ClinVar aggregate classification (germline): Uncertain significance (1 of 4 stars; one submission).

Conditions:
Hereditary cancer-predisposing syndrome. Also called: Neoplastic Syndromes, Hereditary; Tumor predisposition; Hereditary Cancer Syndrome; Hereditary neoplastic syndrome. Identifiers: Orphanet 140162, MedGen C0027672, MeSH D009386, MONDO:0015356.

gnomAD v4.1: 1 of 1,614,224 alleles (0.000062%); highest among the groups gnomAD compares: Non-Finnish European, 0.000085%; no homozygotes.

Submission:

Ambry Genetics
Classification: Uncertain significance for Hereditary cancer-predisposing syndrome. Last evaluated: 2025-11-26. Review status: criteria provided, single submitter. Criteria: Ambry Variant Classification Scheme 2023. Collection method: clinical testing. Allele origin: germline.
Comment: The p.A393S variant (also known as c.1177G>T), located in coding exon 8 of the PTCH1 gene, results from a G to T substitution at nucleotide position 1177. The alanine at codon 393 is replaced by serine, an amino acid with similar properties. This amino acid position is well conserved in available vertebrate species. In addition, the in silico prediction for this alteration is inconclusive. Based on the available evidence, the clinical significance of this variant remains unclear.